The following is an entry in ClinVar:

NM_007294.4(BRCA1):c.1670C>T (p.Thr557Ile)

Gene: BRCA1 (BRCA1 DNA repair associated; minus strand). Cytogenetic location: 17q21.31.
Variant type: single nucleotide variant.
Coding change: c.1670C>T on transcript NM_007294.4 (MANE Select); coding-DNA position 1670, C replaced by T.
Protein change: p.Thr557Ile; replaces threonine 557 with isoleucine.
Molecular consequence: missense variant. On other transcripts: intron variant (137).
Genome position (GRCh38, 1-based): chr17:43,093,861, G>A on the plus strand (C>T on the coding strand, the complement: BRCA1 is on the minus strand). VCF-style: chr17-43093861-G-A. GRCh37 (hg19) VCF-style: chr17-41245878-G-A.
Other names: c.1670C>T, p.Thr557Ile (NM_001407598.1, NM_001407602.1, NM_001407603.1 and 30 more transcripts); c.1667C>T, p.Thr556Ile (NM_001407610.1, NM_001407611.1, NM_001407612.1 and 22 more transcripts); c.1661C>T, p.Thr554Ile (NM_001407646.1, NM_001407647.1); c.1547C>T, p.Thr516Ile (NM_001407648.1, NM_001407666.1, NM_001407667.1 and 19 more transcripts); c.1544C>T, p.Thr515Ile (NM_001407649.1, NM_001407670.1, NM_001407671.1 and 11 more transcripts); c.1592C>T, p.Thr531Ile (NM_001407653.1, NM_001407654.1, NM_001407655.1 and 4 more transcripts); c.1529C>T, p.Thr510Ile (NM_001407692.1, NM_001407694.1, NM_001407695.1 and 29 more transcripts); c.1526C>T, p.Thr509Ile (NM_001407749.1, NM_001407838.1, NM_001407839.1 and 20 more transcripts); and 40 more; short protein forms T557I, T510I, T389I, T429I, T468I, T489I, T516I, T445I.
Identifiers: ClinVar variation 631083 (VCV000631083.17), dbSNP rs1567798771, ClinGen allele CA10598691.

ClinVar aggregate classification (germline): Conflicting classifications of pathogenicity. Review status: criteria provided, conflicting classifications (1 of 4 stars). 4 submissions from 4 submitters: Uncertain significance (3); Likely benign (1). Last evaluated 2026-06-03.

Conditions:
Hereditary breast ovarian cancer syndrome. Also called: Hereditary breast and/or ovarian cancer syndrome; Hereditary breast and ovarian cancer; Hereditary breast and ovarian cancer syndrome; Hereditary breast and ovarian cancer syndrome (HBOC); Breast and ovarian cancer; BRCA1- and BRCA2-Associated Hereditary Breast and Ovarian Cancer. Identifiers: Orphanet 145, MedGen C0677776, MeSH D061325, MONDO:0003582. Disease mechanism: loss of function.
Hereditary cancer-predisposing syndrome. Also called: Neoplastic Syndromes, Hereditary; Tumor predisposition; Hereditary Cancer Syndrome; Hereditary neoplastic syndrome. Identifiers: Orphanet 140162, MedGen C0027672, MeSH D009386, MONDO:0015356.

Submissions (4):

Women's Health and Genetics/Laboratory Corporation of America, LabCorp
Classification: Uncertain significance. Last evaluated: 2026-06-03. Review status: criteria provided, single submitter. Criteria: LabCorp Variant Classification Summary - May 2015. Collection method: clinical testing. Allele origin: germline.
Comment: Variant summary: BRCA1 c.1670C>T (p.Thr557Ile) results in a non-conservative amino acid change in the encoded protein sequence. Algorithms developed to predict the effect of missense changes on protein structure and function are either unavailable or do not agree on the potential impact of this missense change. The variant was absent in 250846 control chromosomes. The available data on variant occurrences in the general population are insufficient to allow any conclusion about variant significance. To our knowledge, no occurrence of c.1670C>T in individuals affected with BRCA1-related conditions and no experimental evidence demonstrating its impact on protein function have been reported. ClinVar contains an entry for this variant (Variation ID: 631083). Based on the evidence outlined above, the variant was classified as uncertain significance.

Labcorp Genetics (formerly Invitae), Labcorp
Classification: Uncertain significance for Hereditary breast ovarian cancer syndrome. Last evaluated: 2024-06-10. Review status: criteria provided, single submitter. Criteria: Invitae Variant Classification Sherloc (09022015). Collection method: clinical testing. Allele origin: germline.
Comment: This sequence change replaces threonine, which is neutral and polar, with isoleucine, which is neutral and non-polar, at codon 557 of the BRCA1 protein (p.Thr557Ile). This variant is not present in population databases (gnomAD no frequency). This variant has not been reported in the literature in individuals affected with BRCA1-related conditions. ClinVar contains an entry for this variant (Variation ID: 631083). Advanced modeling of protein sequence and biophysical properties (such as structural, functional, and spatial information, amino acid conservation, physicochemical variation, residue mobility, and thermodynamic stability) performed at Invitae indicates that this missense variant is not expected to disrupt BRCA1 protein function with a negative predictive value of 95%. In summary, the available evidence is currently insufficient to determine the role of this variant in disease. Therefore, it has been classified as a Variant of Uncertain Significance.

University of Washington Department of Laboratory Medicine, University of Washington
Classification: Likely benign for Hereditary cancer-predisposing syndrome. Last evaluated: 2023-03-23. Review status: criteria provided, single submitter. Criteria: Dines et al. (Genet Med. 2020). Collection method: curation. Allele origin: germline.
Comment: Missense variant in a coldspot region where missense variants are very unlikely to be pathogenic (PMID:31911673).

BRCA1 coldspot (exon 11 using historical exon numbering). Reclassification based on statistical prior probability

Color Diagnostics, LLC DBA Color Health
Classification: Uncertain significance for Hereditary cancer-predisposing syndrome. Last evaluated: 2019-06-22. Review status: criteria provided, single submitter. Criteria: ACMG Guidelines, 2015. Collection method: clinical testing. Allele origin: germline.